The following is an entry in ClinVar:

NM_000195.5(HPS1):c.678_680delinsTGT (p.Ser227Val)

Gene: HPS1 (HPS1 biogenesis of lysosomal organelles complex 3 subunit 1; minus strand). Cytogenetic location: 10q24.2.
Variant type: Indel.
Coding change: c.678_680delinsTGT on transcript NM_000195.5 (MANE Select); coding-DNA positions 678 to 680, CAG replaced by TGT.
Protein change: p.Ser227Val; replaces serine 227 with valine.
Molecular consequence: missense variant. On other transcripts: 5 prime UTR variant (3).
Genome position (GRCh38, 1-based): chr10:98,430,659-98,430,661, CTG replaced by ACA on the plus strand (CAG replaced by TGT on the coding strand, the reverse complement: HPS1 is on the minus strand). VCF-style: chr10-98430659-CTG-ACA. GRCh37 (hg19) VCF-style: chr10-100190416-CTG-ACA.
Other names: p.Ser227Val; c.-196_-194delinsTGT (NM_001311345.2, NM_001322489.2); c.678_680delinsTGT, p.Ser227Val (NM_001322476.2, NM_001322477.2, NM_001322478.2 and 3 more transcripts); c.417_419delinsTGT, p.Ser140Val (NM_001322480.2, NM_001322481.2, NM_001322482.2); c.309_311delinsTGT, p.Ser104Val (NM_001322483.2, NM_001322484.2, NM_001322485.2); c.-295_-293delinsTGT (NM_001322487.2); c.560_562delinsTGT, p.Pro187_Ala188delinsLeuSer (NM_001322490.2, NM_001322492.2); c.678_680delinsTGT (NM_000195.3); short protein forms S104V, S140V, S227V.
Identifiers: ClinVar variation 498409 (VCV000498409.22), dbSNP rs1554892764, ClinGen allele CA658797521.

ClinVar aggregate classification (germline): Conflicting classifications of pathogenicity. Review status: criteria provided, conflicting classifications (1 of 4 stars). 7 submissions from 7 submitters: Uncertain significance (2); Likely benign (4). 1 of the submissions does not count toward it. Last evaluated 2026-01-25.

Conditions:
HPS1-related disorder. Also called: HPS1-related condition.
Hermansky-Pudlak syndrome 1 (HPS1). Also called: DELTA STORAGE POOL DISEASE. Identifiers: Orphanet 231500, Orphanet 79430, MedGen C2931875, MONDO:0008748, OMIM 203300.

Submissions (7):

Labcorp Genetics (formerly Invitae), Labcorp
Classification: Likely benign. Last evaluated: 2026-01-25. Review status: criteria provided, single submitter. Criteria: Invitae Variant Classification Sherloc (09022015). Collection method: clinical testing. Allele origin: germline.

Women's Health and Genetics/Laboratory Corporation of America, LabCorp
Classification: Likely benign. Last evaluated: 2024-10-25. Review status: criteria provided, single submitter. Criteria: LabCorp Variant Classification Summary - May 2015. Collection method: clinical testing. Allele origin: germline.
Comment: Variant summary: HPS1 c.678_680delinsTGT (p.Ser227Val) is part of a multinucleotide combination of 10-100190416-C-A (c.680G>T and p.Ser227Ile); 100190417-T-C (c.679A>G and p.Ser227Gly) and 10-100190418-G-A (c.678C>T and p.Ala226Ala) that results in a non-conservative amino acid change located in the FUZ/MON1/HPS1, second Longin domain (IPR043971) of the encoded protein sequence. Two of four in-silico tools predict a benign effect of the variant on protein function. The variant allele was found at a frequency of 0.0015 in 150866 control chromosomes, predominantly at a frequency of 0.005 within the African or African-American subpopulation in the gnomAD database (v3.1, reported as the aforementioned 3 SNVs with identical allele counts and reported to occur in the same phase), including 1 homozygote. The observed variant frequency within African or African-American control individuals in the gnomAD database is approximately 5-fold of the estimated maximal expected allele frequency for a pathogenic variant in HPS1 causing Hermansky-Pudlak Syndrome phenotype (0.00096), strongly suggesting that the variant is a benign polymorphism found primarily in populations of African or African-American origin. To our knowledge, no occurrence of c.678_680delinsTGT in individuals affected with Hermansky-Pudlak Syndrome and no experimental evidence demonstrating its impact on protein function have been reported. ClinVar contains an entry for this variant (Variation ID: 498409). Based on the evidence outlined above, the variant was classified as likely benign.

GeneDx
Classification: Uncertain significance. Last evaluated: 2023-11-30. Review status: criteria provided, single submitter. Criteria: GeneDx Variant Classification Process June 2021. Collection method: clinical testing. Allele origin: germline. Affected: yes.
Comment: In silico analysis supports a deleterious effect on protein structure/function; Has not been previously published as pathogenic or benign to our knowledge

Mayo Clinic Laboratories, Mayo Clinic
Classification: Uncertain significance. Last evaluated: 2023-10-19. Review status: criteria provided, single submitter. Criteria: ACMG Guidelines, 2015. Collection method: clinical testing. Allele origin: germline. Observed: 1 variant allele.
Comment: PM1

Fulgent Genetics
Classification: Likely benign for Hermansky-Pudlak syndrome 1. Last evaluated: 2022-04-27. Review status: criteria provided, single submitter. Criteria: ACMG Guidelines, 2015. Collection method: clinical testing. Allele origin: unknown.

Eurofins Ntd Llc (ga)
Classification: Likely benign. Last evaluated: 2016-11-04. Review status: criteria provided, single submitter. Criteria: EGL Classification Definitions 2015. Collection method: clinical testing. Allele origin: germline. Observed: 1 variant allele, 1 heterozygote.

PreventionGenetics, part of Exact Sciences
Classification: Likely benign for HPS1-related condition. Last evaluated: 2021-01-04. Review status: no assertion criteria provided. Collection method: clinical testing. Allele origin: germline. Not counted in ClinVar's aggregate classification.
Comment: This variant is classified as likely benign based on ACMG/AMP sequence variant interpretation guidelines (Richards et al. 2015 PMID: 25741868, with internal and published modifications).